The following is an entry in ClinVar:

NM_005726.6(TSFM):c.595C>T (p.Leu199Phe)

Gene: TSFM (Ts translation elongation factor, mitochondrial; plus strand). Cytogenetic location: 12q14.1.
Variant type: single nucleotide variant.
Coding change: c.595C>T on transcript NM_005726.6 (MANE Select); coding-DNA position 595, C replaced by T.
Protein change: p.Leu199Phe; replaces leucine 199 with phenylalanine.
Molecular consequence: missense variant. On other transcripts: 3 prime UTR variant (1), intron variant (1).
Genome position (GRCh38, 1-based): chr12:57,796,200, C>T. VCF-style: chr12-57796200-C-T. GRCh37 (hg19) VCF-style: chr12-58189983-C-T.
Other names: c.*3C>T (NM_001172695.2); c.658C>T, p.Leu220Phe (NM_001172696.2); c.571+3127C>T (NM_001172697.2); short protein forms L199F, L220F.
Identifiers: ClinVar variation 2084464 (VCV002084464.1), dbSNP rs868761403, ClinGen allele CA237837614.
Genomic context (GRCh38, chr12:57,796,200, plus strand): 5'-TTGTTGGTGTGTTGGTTTTTTGTTTTTGCTTTAATAGGAAAACTGGGAGAAAACATGATT[C>T]TTAAACGAGCTGCATGGGTGAAGGTGCCATCTGGGTTCTACGTTGGCTCTTATGTCCACG-3'
Protein context (NP_005717.3, residues 189-209): AIGKLGENMI[Leu199Phe]KRAAWVKVPS

ClinVar aggregate classification (germline): Uncertain significance (1 of 4 stars; one submission).

Allele frequency attached by ClinVar (database versions not stated): gnomAD exomes below 0.00001; TOPMed below 0.00001; gnomAD 0.00001.
gnomAD v4.1: 7 of 1,581,042 alleles (0.00044%); highest among the groups gnomAD compares: Middle Eastern, 0.017%; no homozygotes.

Submission:

Labcorp Genetics (formerly Invitae), Labcorp
Classification: Uncertain significance. Last evaluated: 2022-05-16. Review status: criteria provided, single submitter. Criteria: Invitae Variant Classification Sherloc (09022015). Collection method: clinical testing. Allele origin: germline.
Comment: This sequence change replaces leucine, which is neutral and non-polar, with phenylalanine, which is neutral and non-polar, at codon 220 of the TSFM protein (p.Leu220Phe). This variant is not present in population databases (gnomAD no frequency). This variant has not been reported in the literature in individuals affected with TSFM-related conditions. Algorithms developed to predict the effect of missense changes on protein structure and function are either unavailable or do not agree on the potential impact of this missense change (SIFT: "Deleterious"; PolyPhen-2: "Probably Damaging"; Align-GVGD: "Class C0"). In summary, the available evidence is currently insufficient to determine the role of this variant in disease. Therefore, it has been classified as a Variant of Uncertain Significance.